The following is an entry in ClinVar:

NM_000195.5(HPS1):c.802A>G (p.Ile268Val)

Gene: HPS1 (HPS1 biogenesis of lysosomal organelles complex 3 subunit 1; minus strand). Cytogenetic location: 10q24.2.
Variant type: single nucleotide variant.
Coding change: c.802A>G on transcript NM_000195.5 (MANE Select); coding-DNA position 802, A replaced by G.
Protein change: p.Ile268Val; replaces isoleucine 268 with valine.
Molecular consequence: missense variant. On other transcripts: 5 prime UTR variant (1), synonymous variant (1), intron variant (8).
Genome position (GRCh38, 1-based): chr10:98,429,856, T>C on the plus strand (A>G on the coding strand, the complement: HPS1 is on the minus strand). VCF-style: chr10-98429856-T-C. GRCh37 (hg19) VCF-style: chr10-100189613-T-C.
Other names: c.802A>G, p.Ile268Val (NM_001322476.2, NM_001322477.2, NM_182639.4); c.541A>G, p.Ile181Val (NM_001322480.2, NM_001322481.2); c.433A>G, p.Ile145Val (NM_001322483.2, NM_001322484.2); c.-171A>G (NM_001322487.2); c.684A>G, p.Thr228= (NM_001322490.2); c.769-214A>G (NM_001322478.2, NM_001322479.2, NM_001322491.2); c.400-214A>G (NM_001322485.2); c.508-214A>G (NM_001322482.2); and 3 more; short protein forms I145V, I268V, I181V.
Identifiers: ClinVar variation 2079101 (VCV002079101.3), dbSNP rs761225762, ClinGen allele CA5639276.

ClinVar aggregate classification (germline): Uncertain significance. Review status: criteria provided, multiple submitters, no conflicts (2 of 4 stars). 3 submissions from 3 submitters: Uncertain significance (3). Last evaluated 2024-03-22.

Conditions:
Inborn genetic diseases. Identifiers: MedGen C0950123, MeSH D030342.
Hermansky-Pudlak syndrome 1 (HPS1). Also called: DELTA STORAGE POOL DISEASE. Identifiers: Orphanet 231500, Orphanet 79430, MedGen C2931875, MONDO:0008748, OMIM 203300.

Allele frequency attached by ClinVar (database versions not stated): ExAC 0.00002; gnomAD exomes 0.00003; gnomAD 0.00004; TOPMed 0.00004.
gnomAD v4.1: 59 of 1,613,256 alleles (0.0037%); highest among the groups gnomAD compares: Middle Eastern, 0.18%; 1 homozygote.

Submissions (3):

Fulgent Genetics
Classification: Uncertain significance for Hermansky-Pudlak syndrome 1. Last evaluated: 2024-03-22. Review status: criteria provided, single submitter. Criteria: ACMG Guidelines, 2015. Collection method: clinical testing. Allele origin: germline.

Ambry Genetics
Classification: Uncertain significance for Inborn genetic diseases. Last evaluated: 2022-11-08. Review status: criteria provided, single submitter. Criteria: Ambry Variant Classification Scheme 2023. Collection method: clinical testing. Allele origin: germline.

Labcorp Genetics (formerly Invitae), Labcorp
Classification: Uncertain significance. Last evaluated: 2022-07-30. Review status: criteria provided, single submitter. Criteria: Invitae Variant Classification Sherloc (09022015). Collection method: clinical testing. Allele origin: germline.
Comment: This sequence change replaces isoleucine, which is neutral and non-polar, with valine, which is neutral and non-polar, at codon 268 of the HPS1 protein (p.Ile268Val). This variant is present in population databases (rs761225762, gnomAD 0.007%). This variant has not been reported in the literature in individuals affected with HPS1-related conditions. Algorithms developed to predict the effect of missense changes on protein structure and function (SIFT, PolyPhen-2, Align-GVGD) all suggest that this variant is likely to be tolerated. In summary, the available evidence is currently insufficient to determine the role of this variant in disease. Therefore, it has been classified as a Variant of Uncertain Significance.